The following is an entry in ClinVar:

NM_000059.4(BRCA2):c.755_758del (p.Asp252fs)

Gene: BRCA2 (BRCA2 DNA repair associated; plus strand). Cytogenetic location: 13q13.1.
Variant type: Microsatellite.
Coding change: c.755_758del on transcript NM_000059.4 (MANE Select); coding-DNA positions 755 to 758, 4 bases deleted (ACAG; older notation c.755_758delACAG).
Protein change: p.Asp252fs; shifts the reading frame from aspartic acid 252.
Molecular consequence: frameshift variant.
Genome position (GRCh38, 1-based): chr13:32,330,992-32,330,995, ACAG deleted; deleting any 4 consecutive bases within chr13:32,330,987-32,330,995 gives the same sequence; the c. name uses the placement nearest the transcript's 3' end. VCF-style (leftmost placement, unchanged base first): chr13-32330986-TGACA-T. GRCh37 (hg19) VCF-style: chr13-32905123-TGACA-T.
Other names: 983_986delACAG; 983del4; c.755_758delACAG (NM_000059.3); c.750_753del (NM_000059.3); short protein forms D252fs.
Identifiers: ClinVar variation 38103 (VCV000038103.71), dbSNP rs80359659, ClinGen allele CA025144.

ClinVar aggregate classification (germline): Pathogenic. Review status: reviewed by expert panel (3 of 4 stars). 32 submissions from 32 submitters: Pathogenic (1). 31 of the submissions do not count toward it. Last evaluated 2016-04-22.

Conditions:
Inherited breast cancer and ovarian cancer.
BRCA2-related cancer predisposition. Identifiers: MedGen CN377758, MONDO:0700269.
Medulloblastoma (MDB). Also called: MEDULLOBLASTOMA PREDISPOSITION SYNDROME; Medulloblastoma, somatic. Identifiers: Orphanet 616, MedGen C0025149, MeSH D008527, MONDO:0007959, OMIM 155255, HP:0002885.
Familial prostate cancer. Also called: Hereditary Prostate Cancer. Identifiers: MedGen C2931456, MONDO:0700275, OMIM 176807.
Glioma susceptibility 3 (GLM3). Also called: Glioblastoma 3. Identifiers: Orphanet 182067, Orphanet 360, MedGen C2751641, MONDO:0013093, OMIM 613029.
Breast-ovarian cancer, familial, susceptibility to, 2 (BROVCA2). Also called: BRCA2 Hereditary Breast and Ovarian Cancer. Identifiers: Orphanet 145, MedGen C2675520, MONDO:0012933, OMIM 612555. Disease mechanism: loss of function.
Familial cancer of breast. Also called: BREAST CANCER, FAMILIAL; Hereditary breast cancer; hereditary breast carcinoma. Identifiers: Orphanet 227535, MedGen C0346153, MONDO:0016419, OMIM 114480. Disease mechanism: loss of function.
Pancreatic cancer, susceptibility to, 2. Identifiers: Orphanet 1333, MedGen C3150546, MONDO:0013235, OMIM 613347.
Wilms tumor 1 (WT1). Also called: Wilms tumor, somatic. Identifiers: Orphanet 654, MedGen CN033288, MONDO:0008679, OMIM 194070.
Fanconi anemia complementation group D1. Also called: BRCA2-Related Fanconi Anemia. Identifiers: Orphanet 319462, MedGen C1838457, MONDO:0011584, OMIM 605724.
Breast and/or ovarian cancer. Identifiers: MedGen CN221562.
Hereditary cancer-predisposing syndrome. Also called: Hereditary neoplastic syndrome; Neoplastic Syndromes, Hereditary; Tumor predisposition; Hereditary Cancer Syndrome. Identifiers: Orphanet 140162, MedGen C0027672, MeSH D009386, MONDO:0015356.
BRCA2-related disorder. Also called: BRCA2-related condition; BRCA2-related disorders. Identifiers: MedGen CN239275.
Gastric cancer. Also called: Stomach cancer; Malignant tumor of stomach. Identifiers: MedGen C0024623, MeSH D013274, MONDO:0001056, OMIM 613659, HP:0012126.
Hereditary breast ovarian cancer syndrome. Also called: Breast and ovarian cancer; BRCA1- and BRCA2-Associated Hereditary Breast and Ovarian Cancer; Hereditary breast and/or ovarian cancer syndrome; Hereditary breast and ovarian cancer; Hereditary breast and ovarian cancer syndrome; Hereditary breast and ovarian cancer syndrome (HBOC). Identifiers: Orphanet 145, MedGen C0677776, MeSH D061325, MONDO:0003582. Disease mechanism: loss of function.
Prostate cancer. Also called: Malignant tumor of prostate. Identifiers: Orphanet 1331, MedGen C0376358, MONDO:0008315, HP:0012125.
Malignant tumor of breast. Also called: Malignant breast neoplasm; Cancer breast. Identifiers: MedGen C0006142, MONDO:0007254. Disease mechanism: loss of function.

Submissions 1 to 9 of 32:

Evidence-based Network for the Interpretation of Germline Mutant Alleles (ENIGMA)
Classification: Pathogenic for Breast-ovarian cancer, familial, susceptibility to, 2. Last evaluated: 2016-04-22. Review status: reviewed by expert panel. Criteria: ENIGMA BRCA1/2 Classification Criteria (2015). Collection method: curation. Allele origin: germline.
Comment: Variant allele predicted to encode a truncated non-functional protein.

Clinical Genetics Laboratory, Skane University Hospital Lund
Classification: Pathogenic for Prostate cancer. Last evaluated: 2026-11-12. Review status: criteria provided, single submitter. Criteria: ACMG Guidelines, 2015. Collection method: clinical testing. Allele origin: germline. Affected: yes. Observed: 1 variant allele. Not counted in ClinVar's aggregate classification.
Comment: BRCA2 (NM_000059.4) c.755_758del, p.(Asp252Valfs*24) involves a deletion of 4 base pairs in exon 9 (out of 27), which leads to a frameshift and a premature stop codon, resulting in a truncated protein or a loss of protein expression from the allele. BRCA2 c.755_758del has previously been observed at a low allele frequency in the general population and is classified as pathogenic in the ClinVar database (Accession: VCV000038103.70). The variant has been classified as pathogenic by the expert network Evidence-based Network for the Interpretation of Germline Mutant Alleles (ENIGMA).

Labcorp Genetics (formerly Invitae), Labcorp
Classification: Pathogenic for Hereditary breast ovarian cancer syndrome. Last evaluated: 2026-01-31. Review status: criteria provided, single submitter. Criteria: Invitae Variant Classification Sherloc (09022015). Collection method: clinical testing. Allele origin: germline. Not counted in ClinVar's aggregate classification.
Comment: This sequence change creates a premature translational stop signal (p.Asp252Valfs*24) in the BRCA2 gene. It is expected to result in an absent or disrupted protein product. Loss-of-function variants in BRCA2 are known to be pathogenic (PMID: 20104584). This variant is present in population databases (rs80359659, gnomAD 0.002%). This premature translational stop signal has been observed in individual(s) with breast, ovarian, and prostate cancer (PMID: 8589730, 17636422, 18489799, 20104584, 23569316, 24549055). This variant is also known as 982del4 and 983_986del4. For these reasons, this variant has been classified as Pathogenic.

PreventionGenetics, part of Exact Sciences
Classification: Pathogenic for BRCA2-related condition. Last evaluated: 2025-09-22. Review status: criteria provided, single submitter. Criteria: ACMG Guidelines, 2015. Collection method: clinical testing. Allele origin: germline. Not counted in ClinVar's aggregate classification.
Comment: The BRCA2 c.755_758delACAG variant is predicted to result in a frameshift and premature protein termination (p.Asp252Valfs*24). This variant has been reported to be causative for hereditary breast cancer (Park et al. 2017. PubMed ID: 28205045; Wang et al. 2018. PubMed ID: 29566657). This variant is reported in 0.0054% of alleles in individuals of East Asian descent in gnomAD. In ClinVar, this variant is interpreted as pathogenic by an expert panel (Variation ID: 38103). We classify this variant as pathogenic.

Cambridge Genomics Laboratory, East Genomic Laboratory Hub, NHS Genomic Medicine Service
Classification: Pathogenic for Inherited breast cancer and ovarian cancer. Last evaluated: 2025-07-25. Review status: criteria provided, single submitter. Criteria: ACGS Best Practice Guidelines for Variant Classification in Rare Disease 2020. Collection method: clinical testing. Allele origin: germline. Affected: yes. Not counted in ClinVar's aggregate classification.
Comment: PVS1,PM2_Supporting,PM5_Strong

ARUP Laboratories, Molecular Genetics and Genomics, ARUP Laboratories
Classification: Pathogenic. Last evaluated: 2025-05-12. Review status: criteria provided, single submitter. Criteria: ARUP Molecular Germline Variant Investigation Process 2024. Collection method: clinical testing. Allele origin: germline. Not counted in ClinVar's aggregate classification.
Comment: The BRCA2 c.755_758delACAG; p.Asp252ValfsTer24 variant (rs80359659, ClinVar Variation ID: 38103), also known in the literature as 982del4 or 983del4, is reported in several patients with breast, ovarian or prostate cancers (Castro 2013, Machackova 2008, Tavtigian 1996). This variant is found in the general population with an overall allele frequency of 0.001% (3/250,934 alleles) in the Genome Aggregation Database (v2.1.1). This variant causes a frameshift by deleting four nucleotides, so it is predicted to result in a truncated protein or mRNA subject to nonsense-mediated decay. Based on available information, this variant is considered to be pathogenic. REFERENCES Castro E et al. Germline BRCA mutations are associated with higher risk of nodal involvement, distant metastasis, and poor survival outcomes in prostate cancer. J Clin Oncol. 2013 May 10;31(14):1748-57. PMID: 23569316. Machackova E et al. Spectrum and characterisation of BRCA1 and BRCA2 deleterious mutations in high-risk Czech patients with breast and/or ovarian cancer. BMC Cancer. 2008 May 20;8:140. PMID: 18489799. Tavtigian SV et al. The complete BRCA2 gene and mutations in chromosome 13q-linked kindreds. Nat Genet. 1996 Mar;12(3):333-7. PMID: 8589730.

Center for Genomic Medicine, Rigshospitalet, Copenhagen University Hospital
Classification: Pathogenic. Last evaluated: 2025-03-04. Review status: criteria provided, single submitter. Criteria: ACMG Guidelines, 2015. Collection method: clinical testing. Allele origin: germline. Not counted in ClinVar's aggregate classification.

Blueprint Genetics
Classification: Pathogenic for BRCA2-related disorders. Last evaluated: 2024-10-24. Review status: criteria provided, single submitter. Criteria: ACMG Guidelines, 2015. Collection method: clinical testing. Allele origin: germline. Affected: yes. Observed: 5 variant alleles. Not counted in ClinVar's aggregate classification.

Ambry Genetics
Classification: Pathogenic for Hereditary cancer-predisposing syndrome. Last evaluated: 2024-09-29. Review status: criteria provided, single submitter. Criteria: Ambry Variant Classification Scheme 2023. Collection method: clinical testing. Allele origin: germline. Not counted in ClinVar's aggregate classification.
Comment: The c.755_758delACAG pathogenic mutation, located in coding exon 8 of the BRCA2 gene, results from a deletion of 4 nucleotides at nucleotide positions 755 to 758, causing a translational frameshift with a predicted alternate stop codon (p.D252Vfs*24). This mutation has been described in multiple families with hereditary female and male breast cancer as well as prostate cancer (Tavtigian SV et al. Nat. Genet. 1996 Mar;12:333-7; Machackova E et al. BMC Cancer. 2008 May;8:140; Evans DG et al. Fam. Cancer. 2008 Jul;7:113-7; Borg A et al. Hum. Mutat. 2010 Mar;31:E1200-40; Castro E et al. J. Clin. Oncol. 2013 May;31:1748-57; Cao WM et al. BMC Cancer. 2015 Feb;16:64; Park B et al. Breast Cancer Res. Treat. 2017 May;163:139-150). Of note, this alteration is also designated as c.755_758del, c.755_758del4, 983del4, 983delACAG, and c.983_986del4 in published literature. In addition to the clinical data presented in the literature, this alteration is expected to result in loss of function by premature protein truncation or nonsense-mediated mRNA decay. As such, this alteration is interpreted as a disease-causing mutation.